The following is an entry in ClinVar:

ClinVar aggregate classification (germline): Conflicting classifications of pathogenicity. Review status: criteria provided, conflicting classifications (1 of 4 stars). 2 submissions from 2 submitters: Uncertain significance (1); Likely benign (1). Last evaluated 2025-10-09.

gnomAD v4.1: 83 of 1,613,960 alleles (0.0051%); highest among the groups gnomAD compares: Non-Finnish European, 0.0036%; no homozygotes.

Submissions (2):

Labcorp Genetics (formerly Invitae), Labcorp
Classification: Uncertain significance. Last evaluated: 2025-10-09. Review status: criteria provided, single submitter. Criteria: Invitae Variant Classification Sherloc (09022015). Collection method: clinical testing. Allele origin: germline.
Comment: This sequence change replaces arginine, which is basic and polar, with glutamine, which is neutral and polar, at codon 265 of the TUBG1 protein (p.Arg265Gln). This variant is present in population databases (rs767253705, gnomAD 0.06%), and has an allele count higher than expected for a pathogenic variant. This variant has not been reported in the literature in individuals affected with TUBG1-related conditions. Invitae Evidence Modeling of protein sequence and biophysical properties (such as structural, functional, and spatial information, amino acid conservation, physicochemical variation, residue mobility, and thermodynamic stability) indicates that this missense variant is not expected to disrupt TUBG1 protein function with a negative predictive value of 80%. In summary, the available evidence is currently insufficient to determine the role of this variant in disease. Therefore, it has been classified as a Variant of Uncertain Significance.

Blueprint Genetics
Classification: Likely benign. Last evaluated: 2024-05-23. Review status: criteria provided, single submitter. Criteria: ACMG Guidelines, 2015. Collection method: clinical testing. Allele origin: germline.

NM_001070.5(TUBG1):c.794G>A (p.Arg265Gln)

Gene: TUBG1 (tubulin gamma 1; plus strand). Cytogenetic location: 17q21.2.
Variant type: single nucleotide variant.
Coding change: c.794G>A on transcript NM_001070.5 (MANE Select); coding-DNA position 794, G replaced by A.
Protein change: p.Arg265Gln; replaces arginine 265 with glutamine.
Molecular consequence: missense variant.
Genome position (GRCh38, 1-based): chr17:42,613,949, G>A. VCF-style: chr17-42613949-G-A. GRCh37 (hg19) VCF-style: chr17-40765967-G-A.
Other names: short protein forms R265Q.
Identifiers: ClinVar variation 4698442 (VCV004698442.2).